The following is an entry in ClinVar:

ClinVar aggregate classification (germline): Uncertain significance (1 of 4 stars; one submission).

Conditions:
Hereditary cancer-predisposing syndrome. Also called: Neoplastic Syndromes, Hereditary; Tumor predisposition; Hereditary neoplastic syndrome; Hereditary Cancer Syndrome. Identifiers: Orphanet 140162, MedGen C0027672, MeSH D009386, MONDO:0015356.

Submission:

Ambry Genetics
Classification: Uncertain significance for Hereditary cancer-predisposing syndrome. Last evaluated: 2026-07-06. Review status: criteria provided, single submitter. Criteria: Ambry Variant Classification Scheme 2023. Collection method: clinical testing. Allele origin: germline.
Comment: The p.Y747S variant (also known as c.2240A>C), located in coding exon 16 of the KIT gene, results from an A to C substitution at nucleotide position 2240. The tyrosine at codon 747 is replaced by serine, an amino acid with dissimilar properties. This amino acid position is conserved. In addition, the in silico prediction for this alteration is inconclusive. Based on the available evidence, the clinical significance of this variant remains unclear.

NM_000222.3(KIT):c.2240A>C (p.Tyr747Ser)

Gene: KIT (KIT proto-oncogene, receptor tyrosine kinase; plus strand). Cytogenetic location: 4q12.
Variant type: single nucleotide variant.
Coding change: c.2240A>C on transcript NM_000222.3 (MANE Select); coding-DNA position 2240, A replaced by C.
Protein change: p.Tyr747Ser; replaces tyrosine 747 with serine.
Molecular consequence: missense variant.
Genome position (GRCh38, 1-based): chr4:54,731,877, A>C. VCF-style: chr4-54731877-A-C. GRCh37 (hg19) VCF-style: chr4-55598043-A-C.
Other names: c.2228A>C, p.Tyr743Ser (NM_001093772.2, NM_001385292.1); c.2243A>C, p.Tyr748Ser (NM_001385284.1); c.2237A>C, p.Tyr746Ser (NM_001385285.1); c.2225A>C, p.Tyr742Ser (NM_001385286.1); c.2231A>C, p.Tyr744Ser (NM_001385288.1); c.2240A>C, p.Tyr747Ser (NM_001385290.1); short protein forms Y747S, Y742S, Y744S, Y746S, Y748S, Y743S.
Identifiers: ClinVar variation 5023310 (VCV005023310.1).